The following is an entry in ClinVar:

ClinVar aggregate classification (germline): Likely benign. Review status: criteria provided, single submitter (1 of 4 stars). 2 submissions from 2 submitters: Likely benign (1). 1 of the submissions does not count toward it. Last evaluated 2023-12-15.

Conditions:
INTS1-related disorder. Also called: INTS1-related condition.

Allele frequency attached by ClinVar (database versions not stated): ESP Exome Variant Server 0.00192; gnomAD 0.00243; TOPMed 0.00259; 1000 Genomes Project 0.00260; 1000 Genomes Project 30x 0.00265.
gnomAD v4.1: 650 of 1,612,940 alleles (0.04%); highest among the groups gnomAD compares: African/African-American, 0.8%; 2 homozygotes.

Submissions (2):

Blueprint Genetics
Classification: Likely benign. Last evaluated: 2023-12-15. Review status: criteria provided, single submitter. Criteria: ACMG Guidelines, 2015. Collection method: clinical testing. Allele origin: germline.

PreventionGenetics, part of Exact Sciences
Classification: Likely benign for INTS1-related condition. Last evaluated: 2019-04-25. Review status: no assertion criteria provided. Collection method: clinical testing. Allele origin: germline. Not counted in ClinVar's aggregate classification.
Comment: This variant is classified as likely benign based on ACMG/AMP sequence variant interpretation guidelines (Richards et al. 2015 PMID: 25741868, with internal and published modifications).

NM_001080453.3(INTS1):c.5032C>A (p.Arg1678=)

Gene: INTS1 (integrator complex subunit 1; minus strand). Cytogenetic location: 7p22.3.
Variant type: single nucleotide variant.
Coding change: c.5032C>A on transcript NM_001080453.3 (MANE Select); coding-DNA position 5032, C replaced by A.
Protein change: p.Arg1678=; no amino-acid change (arginine 1678 retained).
Molecular consequence: synonymous variant.
Genome position (GRCh38, 1-based): chr7:1,476,825, G>T on the plus strand (C>A on the coding strand, the complement: INTS1 is on the minus strand). VCF-style: chr7-1476825-G-T. GRCh37 (hg19) VCF-style: chr7-1516461-G-T.
Other names: c.1549C>A, p.Arg517= (NM_015674.1).
Identifiers: ClinVar variation 3050213 (VCV003050213.3), dbSNP rs116384089, ClinGen allele CA4118612.